The following is an entry in ClinVar:

NM_016373.4(WWOX):c.177G>C (p.Leu59Phe)

Gene: WWOX (WW domain containing oxidoreductase; plus strand). Cytogenetic location: 16q23.1.
Variant type: single nucleotide variant.
Coding change: c.177G>C on transcript NM_016373.4 (MANE Select); coding-DNA position 177, G replaced by C.
Protein change: p.Leu59Phe; replaces leucine 59 with phenylalanine.
Molecular consequence: missense variant. On other transcripts: 5 prime UTR variant (1), non-coding transcript variant (1).
Genome position (GRCh38, 1-based): chr16:78,109,782, G>C. VCF-style: chr16-78109782-G-C. GRCh37 (hg19) VCF-style: chr16-78143679-G-C.
Other names: c.-163G>C (NM_001291997.2); c.177G>C, p.Leu59Phe (NM_130791.5); short protein forms L59F.
Identifiers: ClinVar variation 565412 (VCV000565412.9), dbSNP rs771850922, ClinGen allele CA396842136.
Genomic context (GRCh38, chr16:78,109,782, plus strand): 5'-AGGGATGGTCTTTACTTCTCCCTGGCACCTGTAGACCTGTCTTTCTTGTGTTTCAGATTT[G>C]CCATACGGATGGGAACAAGAAACTGATGAGAACGGACAAGTGTTTTTTGTTGAGTAAGTG-3'
Protein context (NP_057457.1, residues 49-69): TGKRKRVAGD[Leu59Phe]PYGWEQETDE

ClinVar aggregate classification (germline): Uncertain significance (1 of 4 stars; one submission).

Conditions:
Developmental and epileptic encephalopathy, 1 (DEE1). Also called: OHTAHARA SYNDROME, X-LINKED; INFANTILE SPASM SYNDROME, X-LINKED 1; Epileptic encephalopathy, early infantile, 1; X-linked infantile spasms; West's syndrome; Tonic spasms with clustering, arrest of psychomotor development and hypsarrhythmia on EEG. Identifiers: MedGen C3463992, MONDO:0010632, OMIM 308350. Disease mechanism: loss of function.
Autosomal recessive spinocerebellar ataxia 12. Also called: SPINOCEREBELLAR ATAXIA WITH MENTAL RETARDATION AND EPILEPSY. Identifiers: Orphanet 284282, MedGen C3280452, MONDO:0013687, OMIM 614322.

Allele frequency attached by ClinVar (database versions not stated): gnomAD 0.00001; TOPMed 0.00002.
gnomAD v4.1: 6 of 1,613,996 alleles (0.00037%); highest among the groups gnomAD compares: African/African-American, 0.004%; no homozygotes.

Submission:

Labcorp Genetics (formerly Invitae), Labcorp
Classification: Uncertain significance for Developmental and epileptic encephalopathy, 1; Autosomal recessive spinocerebellar ataxia 12. Last evaluated: 2022-07-12. Review status: criteria provided, single submitter. Criteria: Invitae Variant Classification Sherloc (09022015). Collection method: clinical testing. Allele origin: germline.
Comment: In summary, the available evidence is currently insufficient to determine the role of this variant in disease. Therefore, it has been classified as a Variant of Uncertain Significance. Algorithms developed to predict the effect of missense changes on protein structure and function are either unavailable or do not agree on the potential impact of this missense change (SIFT: "Not Available"; PolyPhen-2: "Probably Damaging"; Align-GVGD: "Not Available"). ClinVar contains an entry for this variant (Variation ID: 565412). This variant has not been reported in the literature in individuals affected with WWOX-related conditions. This variant is present in population databases (no rsID available, gnomAD 0.01%). This sequence change replaces leucine, which is neutral and non-polar, with phenylalanine, which is neutral and non-polar, at codon 59 of the WWOX protein (p.Leu59Phe).